The following is an entry in ClinVar:

NM_019851.3(FGF20):c.177C>A (p.His59Gln)

Gene: FGF20 (fibroblast growth factor 20; minus strand). Cytogenetic location: 8p22.
Variant type: single nucleotide variant.
Coding change: c.177C>A on transcript NM_019851.3 (MANE Select); coding-DNA position 177, C replaced by A.
Protein change: p.His59Gln; replaces histidine 59 with glutamine.
Molecular consequence: missense variant.
Genome position (GRCh38, 1-based): chr8:17,001,856, G>T on the plus strand (C>A on the coding strand, the complement: FGF20 is on the minus strand). VCF-style: chr8-17001856-G-T. GRCh37 (hg19) VCF-style: chr8-16859365-G-T.
Other names: short protein forms H59Q.
Identifiers: ClinVar variation 4807774 (VCV004807774.1).

ClinVar aggregate classification (germline): Uncertain significance (1 of 4 stars; one submission).

Submission:

Labcorp Genetics (formerly Invitae), Labcorp
Classification: Uncertain significance. Last evaluated: 2025-10-09. Review status: criteria provided, single submitter. Criteria: Invitae Variant Classification Sherloc (09022015). Collection method: clinical testing. Allele origin: germline.
Comment: This sequence change replaces histidine, which is basic and polar, with glutamine, which is neutral and polar, at codon 59 of the FGF20 protein (p.His59Gln). This variant is not present in population databases (gnomAD no frequency). This variant has not been reported in the literature in individuals affected with FGF20-related conditions. An algorithm developed to predict the effect of missense changes on protein structure and function (PolyPhen-2) suggests that this variant is likely to be tolerated. In summary, the available evidence is currently insufficient to determine the role of this variant in disease. Therefore, it has been classified as a Variant of Uncertain Significance.